The following is an entry in ClinVar:

ClinVar aggregate classification (germline): Uncertain significance (1 of 4 stars; one submission).

Conditions:
Inborn genetic diseases. Identifiers: MedGen C0950123, MeSH D030342.

Submission:

Ambry Genetics
Classification: Uncertain significance for Inborn genetic diseases. Last evaluated: 2025-12-24. Review status: criteria provided, single submitter. Criteria: Ambry Variant Classification Scheme 2023. Collection method: clinical testing. Allele origin: germline.
Comment: The c.549C>T variant (also known as p.F183F), located in coding exon 6 of the DDX41 gene, results from a C to T substitution at nucleotide position 549. This nucleotide substitution does not change the amino acid at codon 183. This nucleotide position is well conserved in available vertebrate species. In silico splice site analysis predicts that this alteration may result in the creation or strengthening of a novel splice donor site; however, direct evidence is insufficient at this time (Ambry internal data). Based on the available evidence, the clinical significance of this variant remains unclear.

NM_016222.4(DDX41):c.549C>T (p.Phe183=)

Gene: DDX41 (DEAD-box helicase 41; minus strand). Cytogenetic location: 5q35.3.
Variant type: single nucleotide variant.
Coding change: c.549C>T on transcript NM_016222.4 (MANE Select); coding-DNA position 549, C replaced by T.
Protein change: p.Phe183=; no amino-acid change (phenylalanine 183 retained).
Molecular consequence: synonymous variant.
Genome position (GRCh38, 1-based): chr5:177,515,707, G>A on the plus strand (C>T on the coding strand, the complement: DDX41 is on the minus strand). VCF-style: chr5-177515707-G-A. GRCh37 (hg19) VCF-style: chr5-176942708-G-A.
Other names: c.171C>T, p.Phe57= (NM_001321732.2, NM_001321830.2).
Identifiers: ClinVar variation 3839055 (VCV003839055.2).